The following is an entry in ClinVar:

ClinVar aggregate classification (germline): Uncertain significance (1 of 4 stars; one submission).

Conditions:
Autoimmune lymphoproliferative syndrome, type III caused by mutation in PRKCD. Identifiers: Orphanet 3261, Orphanet 664711, MedGen C3809928, MONDO:8000024, OMIM 615559.

Allele frequency attached by ClinVar (database versions not stated): gnomAD exomes below 0.00001; gnomAD 0.00001; TOPMed 0.00001.

Submission:

Labcorp Genetics (formerly Invitae), Labcorp
Classification: Uncertain significance for Autoimmune lymphoproliferative syndrome, type III caused by mutation in PRKCD. Last evaluated: 2023-05-31. Review status: criteria provided, single submitter. Criteria: Invitae Variant Classification Sherloc (09022015). Collection method: clinical testing. Allele origin: germline.
Comment: This sequence change replaces valine, which is neutral and non-polar, with methionine, which is neutral and non-polar, at codon 90 of the PRKCD protein (p.Val90Met). The frequency data for this variant in the population databases is considered unreliable, as metrics indicate poor data quality at this position in the gnomAD database. This variant has not been reported in the literature in individuals affected with PRKCD-related conditions. ClinVar contains an entry for this variant (Variation ID: 1016335). An algorithm developed to predict the effect of missense changes on protein structure and function (PolyPhen-2) suggests that this variant is likely to be disruptive. In summary, the available evidence is currently insufficient to determine the role of this variant in disease. Therefore, it has been classified as a Variant of Uncertain Significance.

NM_006254.4(PRKCD):c.268G>A (p.Val90Met)

Gene: PRKCD (protein kinase C delta; plus strand). Cytogenetic location: 3p21.1.
Variant type: single nucleotide variant.
Coding change: c.268G>A on transcript NM_006254.4 (MANE Select); coding-DNA position 268, G replaced by A.
Protein change: p.Val90Met; replaces valine 90 with methionine.
Molecular consequence: missense variant.
Genome position (GRCh38, 1-based): chr3:53,179,729, G>A. VCF-style: chr3-53179729-G-A. GRCh37 (hg19) VCF-style: chr3-53213745-G-A.
Other names: c.268G>A, p.Val90Met (NM_001316327.2, NM_001354679.2, NM_001354680.2 and 1 more transcripts); c.325G>A, p.Val109Met (NM_001354676.2); c.316G>A, p.Val106Met (NM_001354678.2); short protein forms V106M, V109M, V90M.
Identifiers: ClinVar variation 1016335 (VCV001016335.5), dbSNP rs1015113720, ClinGen allele CA74848492.